The following is an entry in ClinVar:

ClinVar aggregate classification (germline): Uncertain significance (1 of 4 stars; one submission).

Allele frequency attached by ClinVar (database versions not stated): gnomAD exomes below 0.00001.
gnomAD v4.1: 1 of 1,614,074 alleles (0.000062%); highest among the groups gnomAD compares: Non-Finnish European, 0.000085%; no homozygotes.

Submission:

GeneDx
Classification: Uncertain significance. Last evaluated: 2026-04-13. Review status: criteria provided, single submitter. Criteria: GeneDx Variant Classification Process June 2021. Collection method: clinical testing. Allele origin: germline.
Comment: In silico analysis supports that this missense variant has a deleterious effect on protein structure/function; Not observed at significant frequency in large population cohorts (gnomAD); This variant is associated with the following publications: (PMID: 33994118)

NM_021008.4(DEAF1):c.622C>T (p.Arg208Trp)

Gene: DEAF1 (DEAF1 transcription factor; minus strand). Cytogenetic location: 11p15.5.
Variant type: single nucleotide variant.
Coding change: c.622C>T on transcript NM_021008.4 (MANE Select); coding-DNA position 622, C replaced by T.
Protein change: p.Arg208Trp; replaces arginine 208 with tryptophan.
Molecular consequence: missense variant. On other transcripts: 5 prime UTR variant (1).
Genome position (GRCh38, 1-based): chr11:687,953, G>A on the plus strand (C>T on the coding strand, the complement: DEAF1 is on the minus strand). VCF-style: chr11-687953-G-A. GRCh37 (hg19) VCF-style: chr11-687953-G-A.
Other names: c.622C>T, p.Arg208Trp (NM_001293634.2); c.-105C>T (NM_001367390.1); short protein forms R208W.
Identifiers: ClinVar variation 3252409 (VCV003252409.2), dbSNP rs1009783749.